The following is an entry in ClinVar:

ClinVar aggregate classification (germline): Uncertain significance. Review status: criteria provided, multiple submitters, no conflicts (2 of 4 stars). 2 submissions from 2 submitters: Uncertain significance (2). Last evaluated 2026-07-06.

Conditions:
Wilms tumor 1 (WT1). Also called: Wilms tumor, somatic. Identifiers: Orphanet 654, MedGen CN033288, MONDO:0008679, OMIM 194070.
11p partial monosomy syndrome (WAGR). Also called: WAGR syndrome; WAGR Complex; CHROMOSOME 11p13 DELETION SYNDROME; WAGR Spectrum Disorder. Identifiers: Orphanet 893, MedGen C0206115, MONDO:0008681, OMIM 194072.
Drash syndrome (DDS). Also called: WILMS TUMOR AND PSEUDO- OR TRUE HERMAPHRODITISM; NEPHROPATHY, WILMS TUMOR, AND GENITAL ANOMALIES. Identifiers: Orphanet 220, MedGen C0950121, MONDO:0008682, OMIM 194080.
Frasier syndrome. Identifiers: Orphanet 347, MedGen C0950122, MeSH D052159, MONDO:0007635, OMIM 136680.
Inborn genetic diseases. Identifiers: MedGen C0950123, MeSH D030342.

Submissions (2):

Ambry Genetics
Classification: Uncertain significance for Inborn genetic diseases. Last evaluated: 2026-07-06. Review status: criteria provided, single submitter. Criteria: Ambry Variant Classification Scheme 2023. Collection method: clinical testing. Allele origin: germline.
Comment: The p.F164L variant (also known as c.490T>C), located in coding exon 1 of the WT1 gene, results from a T to C substitution at nucleotide position 490. The phenylalanine at codon 164 is replaced by leucine, an amino acid with highly similar properties. This amino acid position is highly conserved in available vertebrate species. In addition, the in silico prediction for this alteration is inconclusive. Based on the available evidence, the clinical significance of this variant remains unclear.

Labcorp Genetics (formerly Invitae), Labcorp
Classification: Uncertain significance for Wilms tumor 1; Drash syndrome; 11p partial monosomy syndrome; Frasier syndrome. Last evaluated: 2021-09-21. Review status: criteria provided, single submitter. Criteria: Invitae Variant Classification Sherloc (09022015). Collection method: clinical testing. Allele origin: germline.
Comment: In summary, the available evidence is currently insufficient to determine the role of this variant in disease. Therefore, it has been classified as a Variant of Uncertain Significance. Algorithms developed to predict the effect of missense changes on protein structure and function are either unavailable or do not agree on the potential impact of this missense change (SIFT: "Deleterious"; PolyPhen-2: "Probably Damaging"; Align-GVGD: "Class C15"). This variant has not been reported in the literature in individuals affected with WT1-related conditions. This variant is not present in population databases (ExAC no frequency). This sequence change replaces phenylalanine with leucine at codon 164 of the WT1 protein (p.Phe164Leu). The phenylalanine residue is highly conserved and there is a small physicochemical difference between phenylalanine and leucine.

NM_024426.6(WT1):c.505T>C (p.Phe169Leu)

Genes: WT1 (WT1 transcription factor; minus strand), LOC107982234 (WT1/WT1-AS bi-directional promoter region; plus strand). Cytogenetic location: 11p13.
Variant type: single nucleotide variant.
Coding change: c.505T>C on transcript NM_024426.6 (MANE Select); coding-DNA position 505, T replaced by C.
Protein change: p.Phe169Leu; replaces phenylalanine 169 with leucine.
Molecular consequence: missense variant. On other transcripts: non-coding transcript variant (1).
Genome position (GRCh38, 1-based): chr11:32,434,856, A>G on the plus strand (T>C on the coding strand, the complement: WT1 is on the minus strand). VCF-style: chr11-32434856-A-G. GRCh37 (hg19) VCF-style: chr11-32456402-A-G.
Other names: c.505T>C, p.Phe169Leu (NM_000378.6, NM_024424.5); c.490T>C (NM_024426.4); short protein forms F169L.
Identifiers: ClinVar variation 1404984 (VCV001404984.5), dbSNP rs2133102637, ClinGen allele CA379964848.